The following is an entry in ClinVar:

ClinVar aggregate classification (germline): Uncertain significance (1 of 4 stars; one submission).

Submission:

Labcorp Genetics (formerly Invitae), Labcorp
Classification: Uncertain significance. Last evaluated: 2022-10-28. Review status: criteria provided, single submitter. Criteria: Invitae Variant Classification Sherloc (09022015). Collection method: clinical testing. Allele origin: germline.
Comment: Advanced modeling of protein sequence and biophysical properties (such as structural, functional, and spatial information, amino acid conservation, physicochemical variation, residue mobility, and thermodynamic stability) performed at Invitae indicates that this missense variant is expected to disrupt TMC1 protein function. This sequence change replaces tryptophan, which is neutral and slightly polar, with serine, which is neutral and polar, at codon 557 of the TMC1 protein (p.Trp557Ser). This variant is not present in population databases (gnomAD no frequency). This variant has not been reported in the literature in individuals affected with TMC1-related conditions. In summary, the available evidence is currently insufficient to determine the role of this variant in disease. Therefore, it has been classified as a Variant of Uncertain Significance.

NM_138691.3(TMC1):c.1670G>C (p.Trp557Ser)

Gene: TMC1 (transmembrane channel like 1; plus strand). Cytogenetic location: 9q21.13.
Variant type: single nucleotide variant.
Coding change: c.1670G>C on transcript NM_138691.3 (MANE Select); coding-DNA position 1670, G replaced by C.
Protein change: p.Trp557Ser; replaces tryptophan 557 with serine.
Molecular consequence: missense variant.
Genome position (GRCh38, 1-based): chr9:72,805,485, G>C. VCF-style: chr9-72805485-G-C. GRCh37 (hg19) VCF-style: chr9-75420401-G-C.
Other names: short protein forms W557S.
Identifiers: ClinVar variation 2810324 (VCV002810324.3), dbSNP rs2489958219, ClinGen allele CA373667726.